The following is an entry in ClinVar:

NM_006514.4(SCN10A):c.2974A>G (p.Thr992Ala)

Genes: SCN10A (sodium voltage-gated channel alpha subunit 10; minus strand), LOC110121288 (VISTA enhancer hs2268; plus strand). Cytogenetic location: 3p22.2.
Variant type: single nucleotide variant.
Coding change: c.2974A>G on transcript NM_006514.4 (MANE Select); coding-DNA position 2974, A replaced by G.
Protein change: p.Thr992Ala; replaces threonine 992 with alanine.
Molecular consequence: missense variant.
Genome position (GRCh38, 1-based): chr3:38,726,719, T>C on the plus strand (A>G on the coding strand, the complement: SCN10A is on the minus strand). VCF-style: chr3-38726719-T-C. GRCh37 (hg19) VCF-style: chr3-38768210-T-C.
Other names: c.2974A>G, p.Thr992Ala (NM_001293306.2); c.2680A>G, p.Thr894Ala (NM_001293307.2); short protein forms T992A, T894A.
Identifiers: ClinVar variation 967950 (VCV000967950.6), dbSNP rs765269419, ClinGen allele CA2320393.
Genomic context (GRCh38, chr3:38,726,719, plus strand): 5'-CATCCTCCAAGTCATCAAGATCAGATTCACCCTCAGCAATGGGCACAGAGACCCACACAG[T>C]CGGATTAGCGATGAAGTCACTGTGCTCATCCCTGGGGCCTCTGGGAGCTTGGAGCCCTCC-3'
Protein context (NP_006505.4, residues 982-1002): DEHSDFIANP[Thr992Ala]VWVSVPIAEG

ClinVar aggregate classification (germline): Uncertain significance (1 of 4 stars; one submission).

Conditions:
Brugada syndrome. Also called: Sudden unexpected nocturnal death syndrome; Sudden Unexplained Death Syndrome; Sudden Unexplained Nocturnal Death Syndrome (SUNDS); Sudden unexplained nocturnal death syndrome. Identifiers: Orphanet 130, MedGen C1142166, MONDO:0015263.

Allele frequency attached by ClinVar (database versions not stated): ExAC 0.00002; gnomAD exomes 0.00002.
gnomAD v4.1: 10 of 1,612,924 alleles (0.00062%); highest among the groups gnomAD compares: South Asian, 0.011%; no homozygotes.

Submission:

Labcorp Genetics (formerly Invitae), Labcorp
Classification: Uncertain significance for Brugada syndrome. Last evaluated: 2021-10-04. Review status: criteria provided, single submitter. Criteria: Invitae Variant Classification Sherloc (09022015). Collection method: clinical testing. Allele origin: germline.
Comment: This sequence change replaces threonine with alanine at codon 992 of the SCN10A protein (p.Thr992Ala). The threonine residue is weakly conserved and there is a small physicochemical difference between threonine and alanine. This variant is present in population databases (rs765269419, ExAC 0.02%). This variant has not been reported in the literature in individuals affected with SCN10A-related conditions. Algorithms developed to predict the effect of missense changes on protein structure and function (SIFT, PolyPhen-2, Align-GVGD) all suggest that this variant is likely to be tolerated. In summary, the available evidence is currently insufficient to determine the role of this variant in disease. Therefore, it has been classified as a Variant of Uncertain Significance.